The following is an entry in ClinVar:

ClinVar aggregate classification (germline): Uncertain significance (1 of 4 stars; one submission).

Conditions:
Developmental and epileptic encephalopathy, 53. Also called: Epileptic encephalopathy, early infantile, 53. Identifiers: MedGen C4479313, MONDO:0033362, OMIM 617389.
Early-onset Parkinson disease 20. Also called: PARKINSON DISEASE 20, AUTOSOMAL RECESSIVE EARLY-ONSET. Identifiers: Orphanet 391411, MedGen C3809824, MONDO:0014233, OMIM 615530.

Allele frequency attached by ClinVar (database versions not stated): gnomAD exomes below 0.00001 and 0.00002; TOPMed 0.00001.
gnomAD v4.1: 16 of 1,614,204 alleles (0.00099%); highest among the groups gnomAD compares: Non-Finnish European, 0.0014%; no homozygotes.

Submission:

Labcorp Genetics (formerly Invitae), Labcorp
Classification: Uncertain significance for Developmental and epileptic encephalopathy, 53; Early-onset Parkinson disease 20. Last evaluated: 2021-08-22. Review status: criteria provided, single submitter. Criteria: Invitae Variant Classification Sherloc (09022015). Collection method: clinical testing. Allele origin: germline.
Comment: In summary, the available evidence is currently insufficient to determine the role of this variant in disease. Therefore, it has been classified as a Variant of Uncertain Significance. Experimental studies and prediction algorithms are not available or were not evaluated, and the functional significance of this variant is currently unknown. This variant has not been reported in the literature in individuals affected with SYNJ1-related conditions. This variant is not present in population databases (ExAC no frequency). This sequence change creates a premature translational stop signal (p.Trp1520*) in the SYNJ1 gene. While this is not anticipated to result in nonsense mediated decay, it is expected to disrupt the last 93 amino acid(s) of the SYNJ1 protein.

NM_203446.3(SYNJ1):c.*530G>A

Gene: SYNJ1 (synaptojanin 1; minus strand). Cytogenetic location: 21q22.11.
Variant type: single nucleotide variant.
Coding change: c.*530G>A on transcript NM_203446.3 (MANE Select); 530 bases downstream of the stop codon, G replaced by A.
Molecular consequence: 3 prime UTR variant. On other transcripts: nonsense (2).
Genome position (GRCh38, 1-based): chr21:32,631,275, C>T on the plus strand (G>A on the coding strand, the complement: SYNJ1 is on the minus strand). VCF-style: chr21-32631275-C-T. GRCh37 (hg19) VCF-style: chr21-34003585-C-T.
Other names: c.*530G>A (NM_001160302.2); c.4301G>A, p.Trp1434Ter (NM_001160306.2); c.4559G>A, p.Trp1520Ter (NM_003895.4); short protein forms W1434*, W1520*.
Identifiers: ClinVar variation 1505272 (VCV001505272.4), dbSNP rs779923204, ClinGen allele CA319449839.